The following is an entry in ClinVar:

ClinVar aggregate classification (germline): Likely benign. Review status: criteria provided, multiple submitters, no conflicts (2 of 4 stars). 7 submissions from 7 submitters: Likely benign (7). Last evaluated 2025-11-09.

Conditions:
Hereditary spastic paraplegia 10 (SPG10). Also called: SPASTIC PARAPLEGIA 10, AUTOSOMAL DOMINANT; SPASTIC PARAPLEGIA 10 WITH OR WITHOUT PERIPHERAL NEUROPATHY; SPASTIC PARAPLEGIA 10 WITH PERIPHERAL NEUROPATHY. Identifiers: Orphanet 100991, MedGen C1858712, MONDO:0011408, OMIM 604187.
Spastic paraplegia. Identifiers: MedGen C0037772, HP:0001258.

Allele frequency attached by ClinVar (database versions not stated): gnomAD exomes 0.00003 and 0.00004; ExAC 0.00004; gnomAD 0.00008 and 0.00009; TOPMed 0.00010.
gnomAD v4.1: 78 of 1,613,882 alleles (0.0048%); highest among the groups gnomAD compares: African/African-American, 0.069%; no homozygotes.

Submissions (7):

Labcorp Genetics (formerly Invitae), Labcorp
Classification: Likely benign for Spastic paraplegia. Last evaluated: 2025-11-09. Review status: criteria provided, single submitter. Criteria: Invitae Variant Classification Sherloc (09022015). Collection method: clinical testing. Allele origin: germline.

Mayo Clinic Laboratories, Mayo Clinic
Classification: Likely benign. Last evaluated: 2025-08-07. Review status: criteria provided, single submitter. Criteria: ACMG Guidelines, 2015. Collection method: clinical testing. Allele origin: germline. Observed: 1 variant allele.
Comment: BS2, BP4, BP7

CeGaT Center for Human Genetics Tuebingen
Classification: Likely benign. Last evaluated: 2024-11-01. Review status: criteria provided, single submitter. Criteria: CeGaT Center For Human Genetics Tuebingen Variant Classification Criteria Version 2. Collection method: clinical testing. Allele origin: germline. Affected: yes. Observed: 3 variant alleles.
Comment: KIF5A: BP4, BP7

Blueprint Genetics
Classification: Likely benign. Last evaluated: 2024-02-01. Review status: criteria provided, single submitter. Criteria: ACMG Guidelines, 2015. Collection method: clinical testing. Allele origin: germline.

Illumina Laboratory Services, Illumina
Classification: Likely benign for Hereditary spastic paraplegia 10. Last evaluated: 2018-01-13. Review status: criteria provided, single submitter. Criteria: ICSL Variant Classification Criteria 13 December 2019. Collection method: clinical testing. Allele origin: germline.
Comment: This variant was observed in the ICSL laboratory as part of a predisposition screen in an ostensibly healthy population. It had not been previously curated by ICSL or reported in the Human Gene Mutation Database (HGMD: prior to June 1st, 2018), and was therefore a candidate for classification through an automated scoring system. Utilizing variant allele frequency, disease prevalence and penetrance estimates, and inheritance mode, an automated score was calculated to assess if this variant is too frequent to cause the disease. Based on the score and internal cut-off values, a variant classified as likely benign is not then subjected to further curation. The score for this variant resulted in a classification of likely benign for this disease.

GeneDx
Classification: Likely benign. Last evaluated: 2017-01-04. Review status: criteria provided, single submitter. Criteria: GeneDx Variant Classification (06012015). Collection method: clinical testing. Allele origin: germline. Affected: yes.
Comment: This variant is considered likely benign or benign based on one or more of the following criteria: it is a conservative change, it occurs at a poorly conserved position in the protein, it is predicted to be benign by multiple in silico algorithms, and/or has population frequency not consistent with disease.

Breakthrough Genomics
Classification: Likely benign. Review status: criteria provided, single submitter. Criteria: ACMG Guidelines, 2015. Collection method: not provided. Allele origin: germline. Inheritance: Autosomal dominant inheritance. Affected: yes.

NM_004984.4(KIF5A):c.2775C>A (p.Gly925=)

Gene: KIF5A (kinesin family member 5A; plus strand). Cytogenetic location: 12q13.3.
Variant type: single nucleotide variant.
Coding change: c.2775C>A on transcript NM_004984.4 (MANE Select); coding-DNA position 2775, C replaced by A.
Protein change: p.Gly925=; no amino-acid change (glycine 925 retained).
Molecular consequence: synonymous variant.
Genome position (GRCh38, 1-based): chr12:57,581,434, C>A. VCF-style: chr12-57581434-C-A. GRCh37 (hg19) VCF-style: chr12-57975217-C-A.
Other names: p.Gly925=; c.2508C>A, p.Gly836= (NM_001354705.2).
Identifiers: ClinVar variation 309946 (VCV000309946.44), dbSNP rs759750438, ClinGen allele CA6653214.
Genomic context (GRCh38, chr12:57,581,434, plus strand): 5'-GGTCATAGCCTCCTCATGGTTGTTTTCTTTCTTTATTGCAGCCAAACCCGTCCGGCCTGG[C>A]CACTACCCAGCATCCTCACCCACCAACCCCTATGGCACCCGGAGCCCTGAGTGCATCAGT-3'
Protein context (NP_004975.2, residues 915-935): SAQIAKPVRP[Gly925=]HYPASSPTNP